The following is an entry in ClinVar:

NM_001999.4(FBN2):c.3495C>G (p.Asn1165Lys)

Gene: FBN2 (fibrillin 2; minus strand). Cytogenetic location: 5q23.3.
Variant type: single nucleotide variant.
Coding change: c.3495C>G on transcript NM_001999.4 (MANE Select); coding-DNA position 3495, C replaced by G.
Protein change: p.Asn1165Lys; replaces asparagine 1165 with lysine.
Molecular consequence: missense variant.
Genome position (GRCh38, 1-based): chr5:128,338,100, G>C on the plus strand (C>G on the coding strand, the complement: FBN2 is on the minus strand). VCF-style: chr5-128338100-G-C. GRCh37 (hg19) VCF-style: chr5-127673792-G-C.
Other names: short protein forms N1165K.
Identifiers: ClinVar variation 1030505 (VCV001030505.1), dbSNP rs774250442, ClinGen allele CA360759522.

ClinVar aggregate classification (germline): Uncertain significance (1 of 4 stars; one submission).

Conditions:
Congenital contractural arachnodactyly (CCA). Also called: BEALS SYNDROME; Beals-Hecht syndrome; Arthrogryposis, distal, type 9. Identifiers: Orphanet 115, MedGen C0220668, MONDO:0007363, OMIM 121050.

Submission:

Baylor Genetics
Classification: Uncertain significance for Congenital contractural arachnodactyly. Last evaluated: 2019-10-30. Review status: criteria provided, single submitter. Criteria: ACMG Guidelines, 2015. Collection method: clinical testing. Allele origin: unknown. Affected: yes.
Comment: This variant was determined to be of uncertain significance according to ACMG Guidelines, 2015 [PMID:25741868].